The following is an entry in ClinVar:

ClinVar aggregate classification (germline): Likely benign (1 of 4 stars; one submission).

Allele frequency attached by ClinVar (database versions not stated): gnomAD exomes below 0.00001.
gnomAD v4.1: 1 of 1,368,560 alleles (0.000073%); highest among the groups gnomAD compares: Non-Finnish European, 0.000099%; no homozygotes.

Submission:

GeneDx
Classification: Likely benign. Last evaluated: 2017-02-07. Review status: criteria provided, single submitter. Criteria: GeneDx Variant Classification (06012015). Collection method: clinical testing. Allele origin: germline. Affected: yes.
Comment: This variant is considered likely benign or benign based on one or more of the following criteria: it is a conservative change, it occurs at a poorly conserved position in the protein, it is predicted to be benign by multiple in silico algorithms, and/or has population frequency not consistent with disease.

NM_001164508.2(NEB):c.16488G>T (p.Val5496=)

Gene: NEB (nebulin; minus strand). Cytogenetic location: 2q23.3.
Variant type: single nucleotide variant.
Coding change: c.16488G>T on transcript NM_001164508.2 (MANE Select); coding-DNA position 16488, G replaced by T.
Protein change: p.Val5496=; no amino-acid change (valine 5496 retained).
Molecular consequence: synonymous variant. On other transcripts: intron variant (1).
Genome position (GRCh38, 1-based): chr2:151,579,554, C>A on the plus strand (G>T on the coding strand, the complement: NEB is on the minus strand). VCF-style: chr2-151579554-C-A. GRCh37 (hg19) VCF-style: chr2-152436068-C-A.
Other names: c.16488G>T, p.Val5496= (NM_001164507.2, NM_001271208.2); c.11602-3200G>T (NM_004543.5).
Identifiers: ClinVar variation 507181 (VCV000507181.1), dbSNP rs1553836754, ClinGen allele CA429225402.
Genomic context (GRCh38, chr2:151,579,554, plus strand): 5'-GATCTTGGCTTTGTGGTCGTTGTAGGCCTTTTTGTACAGCCTGTCATTCTGCATCTTCAA[C>A]ACATTTGCTGCCCAAACCAGTTTAGGGTCTTCCTTGGCGCTGCGACAGCCAATGTAATGG-3'
Protein context (NP_001157980.2, residues 5486-5506): EDPKLVWAAN[Val5496=]LKMQNDRLYK